The following is an entry in ClinVar:

NM_144596.4(TTC8):c.299A>G (p.Asn100Ser)

Gene: TTC8 (tetratricopeptide repeat domain 8; plus strand). Cytogenetic location: 14q31.3.
Variant type: single nucleotide variant.
Coding change: c.299A>G on transcript NM_144596.4 (MANE Select); coding-DNA position 299, A replaced by G.
Protein change: p.Asn100Ser; replaces asparagine 100 with serine.
Molecular consequence: missense variant. On other transcripts: 5 prime UTR variant (2), non-coding transcript variant (1).
Genome position (GRCh38, 1-based): chr14:88,840,898, A>G. VCF-style: chr14-88840898-A-G. GRCh37 (hg19) VCF-style: chr14-89307242-A-G.
Other names: c.269A>G, p.Asn90Ser (NM_001288781.1, NM_001366535.2, NM_001366536.2 and 2 more transcripts); c.-294A>G (NM_001288782.1); c.-389A>G (NM_001288783.1); c.299A>G (NM_144596.3); short protein forms N100S, N90S.
Identifiers: ClinVar variation 592323 (VCV000592323.28), dbSNP rs139392523, ClinGen allele CA7302421.

ClinVar aggregate classification (germline): Likely benign. Review status: criteria provided, multiple submitters, no conflicts (2 of 4 stars). 5 submissions from 5 submitters: Likely benign (4). 1 of the submissions does not count toward it. Last evaluated 2026-01-31.

Conditions:
TTC8-related disorder. Also called: TTC8-related condition.
Bardet-Biedl syndrome (BBS). Identifiers: Orphanet 110, MedGen C0752166, MONDO:0015229.

Allele frequency attached by ClinVar (database versions not stated): gnomAD exomes 0.00022 and 0.00050; ExAC 0.00072; 1000 Genomes Project 0.00200; gnomAD 0.00216 and 0.00230; 1000 Genomes Project 30x 0.00219; TOPMed 0.00234; ESP Exome Variant Server 0.00246.
gnomAD v4.1: 657 of 1,614,152 alleles (0.041%); highest among the groups gnomAD compares: African/African-American, 0.83%; 6 homozygotes.

Submissions (5):

Labcorp Genetics (formerly Invitae), Labcorp
Classification: Likely benign for Bardet-Biedl syndrome. Last evaluated: 2026-01-31. Review status: criteria provided, single submitter. Criteria: Invitae Variant Classification Sherloc (09022015). Collection method: clinical testing. Allele origin: germline.

CeGaT Center for Human Genetics Tuebingen
Classification: Likely benign. Last evaluated: 2025-05-01. Review status: criteria provided, single submitter. Criteria: CeGaT Center For Human Genetics Tuebingen Variant Classification Criteria Version 2. Collection method: clinical testing. Allele origin: germline. Affected: yes. Observed: 1 variant allele.
Comment: TTC8: BP4, BS1

Blueprint Genetics
Classification: Likely benign. Last evaluated: 2024-11-06. Review status: criteria provided, single submitter. Criteria: ACMG Guidelines, 2015. Collection method: clinical testing. Allele origin: germline.

Eurofins Ntd Llc (ga)
Classification: Likely benign. Last evaluated: 2018-06-27. Review status: criteria provided, single submitter. Criteria: EGL ClinVar v180209 classification definitions. Collection method: clinical testing. Allele origin: germline. Observed: 2 variant alleles, 2 heterozygotes.

PreventionGenetics, part of Exact Sciences
Classification: Benign for TTC8-related condition. Last evaluated: 2019-09-12. Review status: no assertion criteria provided. Collection method: clinical testing. Allele origin: germline. Not counted in ClinVar's aggregate classification.
Comment: This variant is classified as benign based on ACMG/AMP sequence variant interpretation guidelines (Richards et al. 2015 PMID: 25741868, with internal and published modifications).